The following is an entry in ClinVar:

NM_004859.4(CLTC):c.3709T>C (p.Tyr1237His)

Gene: CLTC (clathrin heavy chain; plus strand). Cytogenetic location: 17q23.1.
Variant type: single nucleotide variant.
Coding change: c.3709T>C on transcript NM_004859.4 (MANE Select); coding-DNA position 3709, T replaced by C.
Protein change: p.Tyr1237His; replaces tyrosine 1237 with histidine.
Molecular consequence: missense variant.
Genome position (GRCh38, 1-based): chr17:59,682,737, T>C. VCF-style: chr17-59682737-T-C. GRCh37 (hg19) VCF-style: chr17-57760098-T-C.
Other names: c.3721T>C, p.Tyr1241His (NM_001288653.2); short protein forms Y1241H, Y1237H.
Identifiers: ClinVar variation 1385509 (VCV001385509.6), dbSNP rs1381380592, ClinGen allele CA400418504.

ClinVar aggregate classification (germline): Uncertain significance (1 of 4 stars; one submission).

Allele frequency attached by ClinVar (database versions not stated): gnomAD 0.00001; TOPMed 0.00001.
gnomAD v4.1: 1 of 1,614,024 alleles (0.000062%); highest among the groups gnomAD compares: African/African-American, 0.0013%; no homozygotes.

Submission:

Labcorp Genetics (formerly Invitae), Labcorp
Classification: Uncertain significance. Last evaluated: 2024-04-25. Review status: criteria provided, single submitter. Criteria: Invitae Variant Classification Sherloc (09022015). Collection method: clinical testing. Allele origin: germline.
Comment: This sequence change replaces tyrosine, which is neutral and polar, with histidine, which is basic and polar, at codon 1241 of the CLTC protein (p.Tyr1241His). This variant is not present in population databases (gnomAD no frequency). This variant has not been reported in the literature in individuals affected with CLTC-related conditions. ClinVar contains an entry for this variant (Variation ID: 1385509). Advanced modeling of protein sequence and biophysical properties (such as structural, functional, and spatial information, amino acid conservation, physicochemical variation, residue mobility, and thermodynamic stability) performed at Invitae indicates that this missense variant is not expected to disrupt CLTC protein function with a negative predictive value of 80%. In summary, the available evidence is currently insufficient to determine the role of this variant in disease. Therefore, it has been classified as a Variant of Uncertain Significance.